The following is an entry in ClinVar:

ClinVar aggregate classification (germline): Benign/Likely benign. Review status: criteria provided, multiple submitters, no conflicts (2 of 4 stars). 4 submissions from 4 submitters: Benign (2); Likely benign (1). 1 of the submissions does not count toward it. Last evaluated 2026-01-20.

Allele frequency attached by ClinVar (database versions not stated): ESP Exome Variant Server 0.00023; TOPMed 0.00094; gnomAD 0.00125 and 0.00151; 1000 Genomes Project 30x 0.00219; ExAC 0.00233; gnomAD exomes 0.00238; 1000 Genomes Project 0.00240.
gnomAD v4.1: 1,982 of 1,614,100 alleles (0.12%); highest among the groups gnomAD compares: East Asian, 2.1%; 24 homozygotes.

Submissions (4):

Labcorp Genetics (formerly Invitae), Labcorp
Classification: Benign. Last evaluated: 2026-01-20. Review status: criteria provided, single submitter. Criteria: Invitae Variant Classification Sherloc (09022015). Collection method: clinical testing. Allele origin: germline.

Genetic Services Laboratory, University of Chicago
Classification: Benign. Last evaluated: 2021-05-26. Review status: criteria provided, single submitter. Criteria: ACMG Guidelines, 2015. Collection method: clinical testing. Allele origin: germline. Affected: no.

Breakthrough Genomics
Classification: Likely benign. Review status: criteria provided, single submitter. Criteria: ACMG Guidelines, 2015. Collection method: not provided. Allele origin: germline. Inheritance: Autosomal recessive inheritance. Affected: yes.

ITMI
No classification provided. Condition: AllHighlyPenetrant. Last evaluated: 2013-09-19. Review status: no classification provided. Collection method: reference population. Allele origin: germline. Not counted in ClinVar's aggregate classification.
Comment: Please see associated publication for description of ethnicities

Literature cited by the submitters: PubMed 24728327 (cited by ITMI).

NM_001127208.3(TET2):c.2604T>G (p.Phe868Leu)

Genes: TET2 (tet methylcytosine dioxygenase 2; plus strand), TET2-AS1 (TET2 antisense RNA 1; minus strand). Cytogenetic location: 4q24.
Variant type: single nucleotide variant.
Coding change: c.2604T>G on transcript NM_001127208.3 (MANE Select); coding-DNA position 2604, T replaced by G.
Protein change: p.Phe868Leu; replaces phenylalanine 868 with leucine.
Molecular consequence: missense variant.
Genome position (GRCh38, 1-based): chr4:105,236,546, T>G. VCF-style: chr4-105236546-T-G. GRCh37 (hg19) VCF-style: chr4-106157703-T-G.
Other names: c.2604T>G, p.Phe868Leu (NM_017628.4); short protein forms F868L.
Identifiers: ClinVar variation 135324 (VCV000135324.10), dbSNP rs147836249, ClinGen allele CA162385.